The following is an entry in ClinVar:

NM_007347.5(AP4E1):c.2846A>G (p.Lys949Arg)

Gene: AP4E1 (adaptor related protein complex 4 subunit epsilon 1; plus strand). Cytogenetic location: 15q21.2.
Variant type: single nucleotide variant.
Coding change: c.2846A>G on transcript NM_007347.5 (MANE Select); coding-DNA position 2846, A replaced by G.
Protein change: p.Lys949Arg; replaces lysine 949 with arginine.
Molecular consequence: missense variant.
Genome position (GRCh38, 1-based): chr15:50,997,825, A>G. VCF-style: chr15-50997825-A-G. GRCh37 (hg19) VCF-style: chr15-51290022-A-G.
Other names: c.2621A>G, p.Lys874Arg (NM_001252127.2); short protein forms K949R, K874R.
Identifiers: ClinVar variation 1953289 (VCV001953289.5), dbSNP rs766426352, ClinGen allele CA270526146.

ClinVar aggregate classification (germline): Uncertain significance (1 of 4 stars; one submission).

Conditions:
Spastic paraplegia. Identifiers: MedGen C0037772, HP:0001258.

Allele frequency attached by ClinVar (database versions not stated): gnomAD 0.00001.
gnomAD v4.1: 1 of 1,601,146 alleles (0.000062%); highest among the groups gnomAD compares: Admixed American, 0.0017%; no homozygotes.

Submission:

Labcorp Genetics (formerly Invitae), Labcorp
Classification: Uncertain significance for Spastic paraplegia. Last evaluated: 2022-06-28. Review status: criteria provided, single submitter. Criteria: Invitae Variant Classification Sherloc (09022015). Collection method: clinical testing. Allele origin: germline.
Comment: In summary, the available evidence is currently insufficient to determine the role of this variant in disease. Therefore, it has been classified as a Variant of Uncertain Significance. Algorithms developed to predict the effect of missense changes on protein structure and function (SIFT, PolyPhen-2, Align-GVGD) all suggest that this variant is likely to be tolerated. This variant has not been reported in the literature in individuals affected with AP4E1-related conditions. This variant is not present in population databases (gnomAD no frequency). This sequence change replaces lysine, which is basic and polar, with arginine, which is basic and polar, at codon 949 of the AP4E1 protein (p.Lys949Arg).